The following is an entry in ClinVar:

NM_015662.3(IFT172):c.2788-3C>G

Genes: IFT172 (intraflagellar transport 172; minus strand), LOC126806174 (CDK7 strongly-dependent group 2 enhancer GRCh37_chr2:27681686-27682885; plus strand). Cytogenetic location: 2p23.3.
Variant type: single nucleotide variant.
Coding change: c.2788-3C>G on transcript NM_015662.3 (MANE Select); 3 bases into the intron before coding-DNA position 2788, C replaced by G.
Molecular consequence: intron variant.
Genome position (GRCh38, 1-based): chr2:27,458,871, G>C on the plus strand (C>G on the coding strand, the complement: IFT172 is on the minus strand). VCF-style: chr2-27458871-G-C. GRCh37 (hg19) VCF-style: chr2-27681738-G-C.
Identifiers: ClinVar variation 1065682 (VCV001065682.2), dbSNP rs2148500413, ClinGen allele CA2499215851.

ClinVar aggregate classification (germline): Uncertain significance. Review status: criteria provided, multiple submitters, no conflicts (2 of 4 stars). 2 submissions from 2 submitters: Uncertain significance (2). Last evaluated 2021-04-08.

Conditions:
Retinitis pigmentosa 71 (RP71). Identifiers: Orphanet 791, MedGen C4225342, MONDO:0014618, OMIM 616394.

Submissions (2):

Ocular Genomics Institute, Massachusetts Eye and Ear
Classification: Uncertain significance for Retinitis pigmentosa 71. Last evaluated: 2021-04-08. Review status: criteria provided, single submitter. Criteria: ACMG Guidelines, 2015. Collection method: research. Allele origin: germline. Affected: yes.
Comment: Through a review of available evidence we were able to apply the following criteria: PM2. Based on this evidence we have classified this variant as Variant of Uncertain Significance.

Blueprint Genetics
Classification: Uncertain significance. Last evaluated: 2019-05-31. Review status: criteria provided, single submitter. Criteria: ACMG Guidelines, 2015. Collection method: clinical testing. Allele origin: germline.